The following is an entry in ClinVar:

ClinVar aggregate classification (germline): Uncertain significance (1 of 4 stars; one submission).

Conditions:
Hereditary nonpolyposis colorectal neoplasms. Identifiers: MedGen C0009405, MeSH D003123.

Submission:

Labcorp Genetics (formerly Invitae), Labcorp
Classification: Uncertain significance for Hereditary nonpolyposis colorectal neoplasms. Last evaluated: 2017-07-26. Review status: criteria provided, single submitter. Criteria: Invitae Variant Classification Sherloc (09022015). Collection method: clinical testing. Allele origin: germline.
Comment: This sequence change replaces alanine and threonine at codons 1220 and 1221 of the MSH6 protein with 2 serines (p.Ala1220_Thr1221delinsSerSer). The alanine and threonine residues are highly conserved and there is a moderate physicochemical difference between alanine and serine and a small physicochemical difference between threonine and serine. This variant is not present in population databases (ExAC no frequency). This variant has not been reported in the literature in individuals with MSH6-related disease. Experimental studies and prediction algorithms are not available for this particular variant, and the functional significance of the replaced amino acids is currently unknown. In summary, the available evidence is currently insufficient to determine the role of this variant in disease. Therefore, it has been classified as a Variant of Uncertain Significance.

NM_000179.3(MSH6):c.3657_3661delinsCTCAT (p.Ala1220_Thr1221delinsSerSer)

Gene: MSH6 (mutS homolog 6; plus strand). Cytogenetic location: 2p16.3.
Variant type: Indel.
Coding change: c.3657_3661delinsCTCAT on transcript NM_000179.3 (MANE Select); coding-DNA positions 3657 to 3661, TGCAA replaced by CTCAT.
Protein change: p.Ala1220_Thr1221delinsSerSer.
Molecular consequence: missense variant.
Genome position (GRCh38, 1-based): chr2:47,806,214-47,806,218, TGCAA replaced by CTCAT. VCF-style: chr2-47806214-TGCAA-CTCAT. GRCh37 (hg19) VCF-style: chr2-48033353-TGCAA-CTCAT.
Other names: c.3267_3271delinsCTCAT, p.Ala1090_Thr1091delinsSerSer (NM_001281492.2); c.2751_2755delinsCTCAT, p.Ala918_Thr919delinsSerSer (NM_001281493.2, NM_001281494.2).
Identifiers: ClinVar variation 455276 (VCV000455276.1), dbSNP rs1553332973, ClinGen allele CA658655732.